The following is an entry in ClinVar:

NM_001943.5(DSG2):c.1487dup (p.Cys496fs)

Gene: DSG2 (desmoglein 2; plus strand). Cytogenetic location: 18q12.1.
Variant type: Duplication.
Coding change: c.1487dup on transcript NM_001943.5 (MANE Select); coding-DNA position 1487, one base duplicated (G; older notation c.1487dupG).
Protein change: p.Cys496fs; shifts the reading frame from cysteine 496.
Genome position (GRCh38, 1-based): chr18:31,536,265, G duplicated. VCF-style (leftmost placement, unchanged base first): chr18-31536264-T-TG. GRCh37 (hg19) VCF-style: chr18-29116227-T-TG.
Other names: NM_001943.3:c.1487dupG; p.Cys496TrpfsX40; c.1487dup (NM_001943.3); short protein forms C496fs.
Identifiers: ClinVar variation 178852 (VCV000178852.25), dbSNP rs730880347, ClinGen allele CA021416.

ClinVar aggregate classification (germline): Conflicting classifications of pathogenicity. Review status: criteria provided, conflicting classifications (1 of 4 stars). 6 submissions from 6 submitters: Pathogenic (2); Likely pathogenic (1); Uncertain significance (3). Last evaluated 2025-07-14.

Conditions:
Cardiovascular phenotype. Identifiers: MedGen CN230736.
Arrhythmogenic right ventricular cardiomyopathy (ARVD). Also called: Arrhythmogenic cardiomyopathy; Arrhythmogenic Right Ventricular Cardiomyopathy (ARVC); Cardiomyopathy, ARVC; Arrhythmogenic right ventricular dysplasia. Identifiers: Orphanet 247, MedGen C0349788, MeSH D019571, MONDO:0016587. Disease mechanism: loss of function. Inheritance: Various modes of inheritance.
Cardiomyopathy (CMYO). Also called: Cardiomyopathies. Identifiers: Orphanet 167848, MedGen C0878544, MONDO:0004994, HP:0001638. Inheritance: Various modes of inheritance.
Arrhythmogenic right ventricular dysplasia 10. Also called: Arrhythmogenic right ventricular dysplasia/cardiomyopathy, type 10; Arrhythmogenic Right Ventricular Dysplasia/Cardiomyopathy10; ARRHYTHMOGENIC RIGHT VENTRICULAR DYSPLASIA, FAMILIAL, 10. Identifiers: MedGen C1857777, MONDO:0012434, OMIM 610193.

Allele frequency attached by ClinVar (database versions not stated): gnomAD exomes below 0.00001.

Submissions (6):

Color Diagnostics, LLC DBA Color Health
Classification: Uncertain significance for Cardiomyopathy. Last evaluated: 2025-07-14. Review status: criteria provided, single submitter. Criteria: ACMG Guidelines, 2015. Collection method: clinical testing. Allele origin: germline.
Comment: This variant causes a duplication of one nucleotide in exon 11 of the DSG2 gene, creating a frameshift and premature translation stop signal. This variant is expected to result in an absent or non-functional protein product. This variant has been reported in 13 individuals from a cohort of participants undergoing whole exome sequencing (PMID: 31638835)none of these individuals had an existing diagnosis of arrhythmogenic right ventricular cardiomyopathy or abnormal ECG or echocardiogram findings. This variant has not been identified in the general population by the Genome Aggregation Database (gnomAD). Clinical relevance of loss-of-function DSG2 truncation variants in autosomal dominant cardiovascular disorders is not clearly established. The available evidence is insufficient to determine the role of this variant in disease conclusively. Therefore, this variant is classified as a Variant of Uncertain Significance.

GeneDx
Classification: Likely pathogenic. Last evaluated: 2025-02-24. Review status: criteria provided, single submitter. Criteria: GeneDx Variant Classification Process June 2021. Collection method: clinical testing. Allele origin: germline. Affected: yes.
Comment: Frameshift variant predicted to result in protein truncation or nonsense mediated decay in a gene for which loss of function is a known mechanism of disease; Not observed at significant frequency in large population cohorts (gnomAD); Has been reported in one individual from the eMERGE healthy exome study (PMID: 31638835); This variant is associated with the following publications: (PMID: 31638835)

All of Us Research Program, National Institutes of Health
Classification: Uncertain significance for Arrhythmogenic right ventricular cardiomyopathy. Last evaluated: 2023-04-03. Review status: criteria provided, single submitter. Criteria: ACMG Guidelines, 2015. Collection method: clinical testing. Allele origin: germline. Inheritance: Autosomal dominant inheritance. Observed: 1 variant allele, 1 heterozygote.
Comment: This variant causes a duplication of one nucleotide in exon 11 of the DSG2 gene, creating a frameshift and premature translation stop signal. This variant is expected to result in an absent or non-functional protein product. This variant has been reported in 13 individuals from a cohort of participants undergoing whole exome sequencing (PMID: 31638835). None of these individuals had an existing diagnosis of arrhythmogenic right ventricular cardiomyopathy or abnormal ECG or echocardiogram findings. This variant has not been identified in the general population by the Genome Aggregation Database (gnomAD). Although there is a suspicion for a pathogenic role, clinical significance of loss-of-function DSG2 variants in autosomal dominant arrhythmogenic cardiomyopathy is not yet clearly established. The available evidence is insufficient to determine the role of this variant in disease conclusively. Therefore, this variant is classified as a Variant of Uncertain Significance.

This study involves interpretation of variants in research participants for the purpose of population health screening. Participant phenotype was not available at the time of variant classification. Additional details can be found in publication PMID: 35346344, PMCID: PMC8962531

Ambry Genetics
Classification: Pathogenic for Cardiovascular phenotype. Last evaluated: 2022-12-07. Review status: criteria provided, single submitter. Criteria: Ambry Variant Classification Scheme 2023. Collection method: clinical testing. Allele origin: germline.
Comment: The c.1487dupG pathogenic mutation, located in coding exon 11 of the DSG2 gene, results from a duplication of G at nucleotide position 1487, causing a translational frameshift with a predicted alternate stop codon (p.C496Wfs*40). This variant is considered to be rare based on population cohorts in the Genome Aggregation Database (gnomAD). This alteration is expected to result in loss of function by premature protein truncation or nonsense-mediated mRNA decay. As such, this alteration is interpreted as a disease-causing mutation.

Labcorp Genetics (formerly Invitae), Labcorp
Classification: Pathogenic for Arrhythmogenic right ventricular dysplasia 10. Last evaluated: 2021-04-04. Review status: criteria provided, single submitter. Criteria: Invitae Variant Classification Sherloc (09022015). Collection method: clinical testing. Allele origin: germline.
Comment: Loss-of-function variants in DSG2 are known to be pathogenic (PMID: 23381804, 23911551). This sequence change creates a premature translational stop signal (p.Cys496Trpfs*40) in the DSG2 gene. It is expected to result in an absent or disrupted protein product. This variant is not present in population databases (ExAC no frequency). This variant has not been reported in the literature in individuals with DSG2-related disease. For these reasons, this variant has been classified as Pathogenic.

Laboratory for Molecular Medicine, Mass General Brigham Personalized Medicine
Classification: Uncertain significance. Last evaluated: 2017-12-07. Review status: criteria provided, single submitter. Criteria: LMM Criteria. Collection method: clinical testing. Allele origin: germline. Inheritance: Autosomal dominant inheritance. Observed: 3 variant alleles.
Comment: Variant classified as Uncertain Significance - Favor Pathogenic. The p.Cys496fs variant was absent from large population studies. This variant is predicted to cause a frame shift, which alters the protein?s amino acid sequence beginning at position 496 and leads to a premature termination codon 40 amino acids downstream. This alter ation is then predicted to lead to a truncated or absent protein. Frameshift and other loss of function variants in DSG2 gene have been reported in individuals with ARVC. In summary, while there is some suspicion for a pathogenic role, the clinical significance of the p.Cys496fs variant is uncertain.

Literature cited by the submitters: PubMed 31638835 (cited by Color Diagnostics, LLC DBA Color Health and All of Us Research Program, National Institutes of Health); PubMed 23381804 (cited by Labcorp Genetics (formerly Invitae), Labcorp); PubMed 23911551 (cited by Labcorp Genetics (formerly Invitae), Labcorp).